The following is an entry in ClinVar:

ClinVar aggregate classification (germline): Pathogenic. Review status: criteria provided, multiple submitters, no conflicts (2 of 4 stars). 5 submissions from 5 submitters: Pathogenic (4). 1 of the submissions does not count toward it. Last evaluated 2024-10-02.

Conditions:
Cardiovascular phenotype. Identifiers: MedGen CN230736.
Hereditary cancer-predisposing syndrome. Also called: Tumor predisposition; Hereditary Cancer Syndrome; Neoplastic Syndromes, Hereditary; Hereditary neoplastic syndrome. Identifiers: Orphanet 140162, MedGen C0027672, MeSH D009386, MONDO:0015356.
Malignant tumor of urinary bladder. Also called: Bladder cancer; Urinary bladder cancer; Urinary Bladder Neoplasms. Identifiers: MedGen C0005684, MONDO:0001187, OMIM 109800.
Neurofibromatosis, type 1 (NF1). Also called: VON RECKLINGHAUSEN DISEASE; Peripheral type neurofibromatosis; Neurofibromatosis, type I; NEUROFIBROMATOSIS, TYPE I, SOMATIC. Identifiers: Orphanet 636, MedGen C0027831, MONDO:0018975, OMIM 162200. Disease mechanism: loss of function.

Submissions (5):

Labcorp Genetics (formerly Invitae), Labcorp
Classification: Pathogenic for Neurofibromatosis, type 1. Last evaluated: 2024-10-02. Review status: criteria provided, single submitter. Criteria: Invitae Variant Classification Sherloc (09022015). Collection method: clinical testing. Allele origin: germline.
Comment: This sequence change creates a premature translational stop signal (p.Trp2473*) in the NF1 gene. It is expected to result in an absent or disrupted protein product. Loss-of-function variants in NF1 are known to be pathogenic (PMID: 10712197, 23913538). This variant is not present in population databases (gnomAD no frequency). This premature translational stop signal has been observed in individual(s) with clinical features of NF1-related conditions (PMID: 23656349). ClinVar contains an entry for this variant (Variation ID: 216067). For these reasons, this variant has been classified as Pathogenic.

Genome-Nilou Lab
Classification: Pathogenic for Neurofibromatosis, type 1. Last evaluated: 2022-03-15. Review status: criteria provided, single submitter. Criteria: ACMG Guidelines, 2015. Collection method: clinical testing. Allele origin: germline. Affected: no.

Ambry Genetics
Classification: Pathogenic for Cardiovascular phenotype; Hereditary cancer-predisposing syndrome. Last evaluated: 2020-03-04. Review status: criteria provided, single submitter. Criteria: Ambry Variant Classification Scheme 2023. Collection method: clinical testing. Allele origin: germline.
Comment: The p.W2473* pathogenic mutation (also known as c.7419G>A), located in coding exon 50 of the NF1 gene, results from a G to A substitution at nucleotide position 7419. This changes the amino acid from a tryptophan to a stop codon within coding exon 50. This mutation has been reported in a cohort of 338 unrelated probands with a clinically definite or suspected Neurofibromatosis type 1 (NF1) diagnosis (van Minkelen R et al. Clin. Genet., 2014 Apr;85:318-27). In addition to the clinical data presented in the literature, this alteration is expected to result in loss of function by premature protein truncation or nonsense-mediated mRNA decay. As such, this alteration is interpreted as a disease-causing mutation.

Center for Personalized Medicine, Children's Hospital Los Angeles
Classification: Pathogenic. Last evaluated: 2016-03-15. Review status: criteria provided, single submitter. Criteria: ACMG Guidelines, 2015. Collection method: clinical testing. Allele origin: germline. Affected: yes.

Laboratory of Urology, Hospital Clinic de Barcelona
Classification: Pathogenic for Malignant tumor of urinary bladder. Review status: no assertion criteria provided. Collection method: research. Allele origin: somatic. Affected: yes. Not counted in ClinVar's aggregate classification.

Literature cited by the submitters: PubMed 10712197 (cited by Labcorp Genetics (formerly Invitae), Labcorp); PubMed 23913538 (cited by Labcorp Genetics (formerly Invitae), Labcorp); PubMed 23656349 (cited by Labcorp Genetics (formerly Invitae), Labcorp).

NM_001042492.3(NF1):c.7482G>A (p.Trp2494Ter)

Gene: NF1 (neurofibromin 1; plus strand). Cytogenetic location: 17q11.2.
Variant type: single nucleotide variant.
Coding change: c.7482G>A on transcript NM_001042492.3 (MANE Select); coding-DNA position 7482, G replaced by A.
Protein change: p.Trp2494Ter; replaces tryptophan 2494 with a stop codon.
Molecular consequence: nonsense.
Genome position (GRCh38, 1-based): chr17:31,352,281, G>A. VCF-style: chr17-31352281-G-A. GRCh37 (hg19) VCF-style: chr17-29679299-G-A.
Other names: c.7419G>A, p.Trp2473Ter (NM_000267.4); short protein forms W2473*, W2494*.
Identifiers: ClinVar variation 216067 (VCV000216067.12), dbSNP rs863224493, ClinGen allele CA336766.